The following is an entry in ClinVar:

NM_001098484.3(SLC4A4):c.2774G>A (p.Arg925His)

Gene: SLC4A4 (solute carrier family 4 member 4; plus strand). Cytogenetic location: 4q13.3.
Variant type: single nucleotide variant.
Coding change: c.2774G>A on transcript NM_001098484.3 (MANE Select); coding-DNA position 2774, G replaced by A.
Protein change: p.Arg925His; replaces arginine 925 with histidine.
Molecular consequence: missense variant.
Genome position (GRCh38, 1-based): chr4:71,557,722, G>A. VCF-style: chr4-71557722-G-A. GRCh37 (hg19) VCF-style: chr4-72423439-G-A.
Other names: c.2774G>A, p.Arg925His (NM_001134742.2); c.2642G>A, p.Arg881His (NM_003759.4); short protein forms R881H, R925H.
Identifiers: ClinVar variation 1310941 (VCV001310941.3), dbSNP rs1736599400, ClinGen allele CA357422273.

ClinVar aggregate classification (germline): Uncertain significance. Review status: criteria provided, multiple submitters, no conflicts (2 of 4 stars). 2 submissions from 2 submitters: Uncertain significance (2). Last evaluated 2022-02-16.

Conditions:
Autosomal recessive proximal renal tubular acidosis (PRTAO). Also called: PROXIMAL RENAL TUBULAR ACIDOSIS-OCULAR ANOMALY SYNDROME; RENAL TUBULAR ACIDOSIS, PROXIMAL, WITH OCULAR ABNORMALITIES AND IMPAIRED INTELLECTUAL DEVELOPMENT; RENAL TUBULAR ACIDOSIS, PROXIMAL, WITH OCULAR ABNORMALITIES AND MENTAL RETARDATION; RTA, PROXIMAL, AUTOSOMAL RECESSIVE. Identifiers: Orphanet 93607, MedGen C1970309, MONDO:0011422, OMIM 604278.

Allele frequency attached by ClinVar (database versions not stated): TOPMed below 0.00001.

Submissions (2):

Fulgent Genetics
Classification: Uncertain significance for Autosomal recessive proximal renal tubular acidosis. Last evaluated: 2022-02-16. Review status: criteria provided, single submitter. Criteria: ACMG Guidelines, 2015. Collection method: clinical testing. Allele origin: unknown.

GeneDx
Classification: Uncertain significance. Last evaluated: 2021-02-11. Review status: criteria provided, single submitter. Criteria: GeneDx Variant Classification Process June 2021. Collection method: clinical testing. Allele origin: germline. Affected: yes.
Comment: Not observed in large population cohorts (Lek et al., 2016); In silico analysis, which includes protein predictors and evolutionary conservation, supports a deleterious effect; Has not been previously published as pathogenic or benign to our knowledge